The following is an entry in ClinVar:

ClinVar aggregate classification (germline): Uncertain significance (1 of 4 stars; one submission).

Submission:

Labcorp Genetics (formerly Invitae), Labcorp
Classification: Uncertain significance. Last evaluated: 2025-04-17. Review status: criteria provided, single submitter. Criteria: Invitae Variant Classification Sherloc (09022015). Collection method: clinical testing. Allele origin: germline.
Comment: This sequence change replaces leucine, which is neutral and non-polar, with phenylalanine, which is neutral and non-polar, at codon 12 of the LEMD3 protein (p.Leu12Phe). This variant is present in population databases (rs369764718, gnomAD 0.01%). This variant has not been reported in the literature in individuals affected with LEMD3-related conditions. Invitae Evidence Modeling of protein sequence and biophysical properties (such as structural, functional, and spatial information, amino acid conservation, physicochemical variation, residue mobility, and thermodynamic stability) indicates that this missense variant is expected to disrupt LEMD3 protein function with a positive predictive value of 80%. In summary, the available evidence is currently insufficient to determine the role of this variant in disease. Therefore, it has been classified as a Variant of Uncertain Significance.

NM_014319.5(LEMD3):c.34C>T (p.Leu12Phe)

Gene: LEMD3 (LEM domain containing 3; plus strand). Cytogenetic location: 12q14.3.
Variant type: single nucleotide variant.
Coding change: c.34C>T on transcript NM_014319.5 (MANE Select); coding-DNA position 34, C replaced by T.
Protein change: p.Leu12Phe; replaces leucine 12 with phenylalanine.
Molecular consequence: missense variant.
Genome position (GRCh38, 1-based): chr12:65,169,630, C>T. VCF-style: chr12-65169630-C-T. GRCh37 (hg19) VCF-style: chr12-65563410-C-T.
Other names: c.34C>T, p.Leu12Phe (NM_001167614.2); short protein forms L12F.
Identifiers: ClinVar variation 4775603 (VCV004775603.1).